The following is an entry in ClinVar:

ClinVar aggregate classification (germline): Uncertain significance (1 of 4 stars; one submission).

Conditions:
Charcot-Marie-Tooth disease dominant intermediate B (CMTDIB). Also called: CHARCOT-MARIE-TOOTH NEUROPATHY, DOMINANT INTERMEDIATE B; Charcot-Marie-Tooth disease dominant intermediate 1; CMT DI1; Charcot-Marie-Tooth disease dominant intermediate I. Identifiers: Orphanet 100044, Orphanet 228179, MedGen C1847902, MONDO:0011674, OMIM 606482.

Allele frequency attached by ClinVar (database versions not stated): gnomAD exomes below 0.00001.
gnomAD v4.1: 2 of 1,613,954 alleles (0.00012%); highest among the groups gnomAD compares: South Asian, 0.0011%; no homozygotes.

Submission:

Labcorp Genetics (formerly Invitae), Labcorp
Classification: Uncertain significance for Charcot-Marie-Tooth disease dominant intermediate B. Last evaluated: 2022-03-03. Review status: criteria provided, single submitter. Criteria: Invitae Variant Classification Sherloc (09022015). Collection method: clinical testing. Allele origin: germline.
Comment: This sequence change replaces proline, which is neutral and non-polar, with alanine, which is neutral and non-polar, at codon 795 of the DNM2 protein (p.Pro795Ala). This variant is present in population databases (no rsID available, gnomAD 0.0009%). This variant has not been reported in the literature in individuals affected with DNM2-related conditions. Algorithms developed to predict the effect of missense changes on protein structure and function (SIFT, PolyPhen-2, Align-GVGD) all suggest that this variant is likely to be tolerated. In summary, the available evidence is currently insufficient to determine the role of this variant in disease. Therefore, it has been classified as a Variant of Uncertain Significance.

NM_001005361.3(DNM2):c.2383C>G (p.Pro795Ala)

Gene: DNM2 (dynamin 2; plus strand). Cytogenetic location: 19p13.2.
Variant type: single nucleotide variant.
Coding change: c.2383C>G on transcript NM_001005361.3 (MANE Select); coding-DNA position 2383, C replaced by G.
Protein change: p.Pro795Ala; replaces proline 795 with alanine.
Molecular consequence: missense variant.
Genome position (GRCh38, 1-based): chr19:10,830,218, C>G. VCF-style: chr19-10830218-C-G. GRCh37 (hg19) VCF-style: chr19-10940894-C-G.
Other names: c.2383C>G, p.Pro795Ala (NM_001005360.3, NM_001190716.2); c.2371C>G, p.Pro791Ala (NM_001005362.3, NM_004945.4); short protein forms P791A, P795A.
Identifiers: ClinVar variation 2093790 (VCV002093790.4), dbSNP rs1418230694, ClinGen allele CA404043839.
Genomic context (GRCh38, chr19:10,830,218, plus strand): 5'-ATACACCCCCCTGGCCGGCCCCCAGCAGTGAGGGGCCCCACTCCAGGGCCCCCCCTGATT[C>G]CTGTTCCCGTGGGGGCAGCAGCCTCCTTCTCGGCGCCCCCAATCCCATCCCGGCCTGGAC-3'
Protein context (NP_001005361.1, residues 785-805): RGPTPGPPLI[Pro795Ala]VPVGAAASFS